The following is an entry in ClinVar:

NM_000124.4(ERCC6):c.76A>G (p.Asn26Asp)

Gene: ERCC6 (ERCC excision repair 6, chromatin remodeling factor; minus strand). Cytogenetic location: 10q11.23.
Variant type: single nucleotide variant.
Coding change: c.76A>G on transcript NM_000124.4 (MANE Select); coding-DNA position 76, A replaced by G.
Protein change: p.Asn26Asp; replaces asparagine 26 with aspartic acid.
Molecular consequence: missense variant.
Genome position (GRCh38, 1-based): chr10:49,532,889, T>C on the plus strand (A>G on the coding strand, the complement: ERCC6 is on the minus strand). VCF-style: chr10-49532889-T-C. GRCh37 (hg19) VCF-style: chr10-50740935-T-C.
Other names: c.76A>G, p.Asn26Asp (NM_001277058.2, NM_001277059.2, NM_001346440.2); short protein forms N26D.
Identifiers: ClinVar variation 2161088 (VCV002161088.2), dbSNP rs758707340, ClinGen allele CA5496628.

ClinVar aggregate classification (germline): Uncertain significance. Review status: criteria provided, multiple submitters, no conflicts (2 of 4 stars). 2 submissions from 2 submitters: Uncertain significance (2). Last evaluated 2022-06-18.

Allele frequency attached by ClinVar (database versions not stated): gnomAD 0.00001; gnomAD exomes 0.00004; ExAC 0.00014.
gnomAD v4.1: 56 of 1,614,242 alleles (0.0035%); highest among the groups gnomAD compares: South Asian, 0.059%; no homozygotes.

Submissions (2):

Labcorp Genetics (formerly Invitae), Labcorp
Classification: Uncertain significance. Last evaluated: 2022-06-18. Review status: criteria provided, single submitter. Criteria: Invitae Variant Classification Sherloc (09022015). Collection method: clinical testing. Allele origin: germline.
Comment: This sequence change replaces asparagine, which is neutral and polar, with aspartic acid, which is acidic and polar, at codon 26 of the ERCC6 protein (p.Asn26Asp). This variant is present in population databases (rs758707340, gnomAD 0.06%). This variant has not been reported in the literature in individuals affected with ERCC6-related conditions. Algorithms developed to predict the effect of missense changes on protein structure and function output the following: SIFT: "Tolerated"; PolyPhen-2: "Benign"; Align-GVGD: "Class C0". The aspartic acid amino acid residue is found in multiple mammalian species, which suggests that this missense change does not adversely affect protein function. In summary, the available evidence is currently insufficient to determine the role of this variant in disease. Therefore, it has been classified as a Variant of Uncertain Significance.

Blueprint Genetics
Classification: Uncertain significance. Last evaluated: 2022-01-21. Review status: criteria provided, single submitter. Criteria: ACMG Guidelines, 2015. Collection method: clinical testing. Allele origin: germline.